The following is an entry in ClinVar:

NM_003611.3(OFD1):c.276T>A (p.Ser92=)

Gene: OFD1 (OFD1 centriole and centriolar satellite protein; plus strand). Cytogenetic location: Xp22.2.
Variant type: single nucleotide variant.
Coding change: c.276T>A on transcript NM_003611.3 (MANE Select); coding-DNA position 276, T replaced by A.
Protein change: p.Ser92=; no amino-acid change (serine 92 retained).
Molecular consequence: synonymous variant. On other transcripts: 5 prime UTR variant (1).
Genome position (GRCh38, 1-based): chrX:13,736,642, T>A. VCF-style: chrX-13736642-T-A. GRCh37 (hg19) VCF-style: chrX-13754761-T-A.
Other names: c.276T>A, p.Ser92= (NM_001330209.2); c.-270T>A (NM_001330210.2).
Identifiers: ClinVar variation 863788 (VCV000863788.10), dbSNP rs201675886, ClinGen allele CA515462527.
Genomic context (GRCh38, chrX:13,736,642, plus strand): 5'-CGCCTCTAACTCTTTAGTGGCAGATCACTTACAAAGATGTGGCTATGAATATTCACTTTC[T>A]GTTTTCTTTCCAGAAAGTGGTTTGGCAAAAGAAAAGGTAAAGTCTTTCCTTTTCTGTTTC-3'
Protein context (NP_003602.1, residues 82-102): LQRCGYEYSL[Ser92=]VFFPESGLAK

ClinVar aggregate classification (germline): Uncertain significance (1 of 4 stars; one submission).

Conditions:
Orofaciodigital syndrome I (OFD1). Also called: OFDS I; Oral-Facial-Digital Syndrome Type I; Papillon-Leage and Psaume Syndrome. Identifiers: Orphanet 2750, MedGen C1510460, MONDO:0010702, OMIM 311200.
Joubert syndrome. Also called: CEREBELLOPARENCHYMAL DISORDER IV; JOUBERT-BOLTSHAUSER SYNDROME; Familial aplasia of the vermis. Identifiers: Orphanet 475, MedGen C5979921, MONDO:0018772.

gnomAD v4.1: 1 of 1,210,397 alleles (0.000083%); highest among the groups gnomAD compares: Non-Finnish European, 0.00011%; no homozygotes.

Submission:

Labcorp Genetics (formerly Invitae), Labcorp
Classification: Uncertain significance for Orofaciodigital syndrome I; Joubert syndrome. Last evaluated: 2020-08-20. Review status: criteria provided, single submitter. Criteria: Invitae Variant Classification Sherloc (09022015). Collection method: clinical testing. Allele origin: germline.
Comment: This sequence change affects codon 92 of the OFD1 mRNA. It is a 'silent' change, meaning that it does not change the encoded amino acid sequence of the OFD1 protein. This variant is not present in population databases (ExAC no frequency). This variant has not been reported in the literature in individuals with OFD1-related conditions. Algorithms developed to predict the effect of sequence changes on RNA splicing suggest that this variant may create or strengthen a splice site, but this prediction has not been confirmed by published transcriptional studies. In summary, the available evidence is currently insufficient to determine the role of this variant in disease. Therefore, it has been classified as a Variant of Uncertain Significance.